The following is an entry in ClinVar:

NM_005379.4(MYO1A):c.771G>A (p.Ser257=)

Gene: MYO1A (myosin IA; minus strand). Cytogenetic location: 12q13.3.
Variant type: single nucleotide variant.
Coding change: c.771G>A on transcript NM_005379.4 (MANE Select); coding-DNA position 771, G replaced by A.
Protein change: p.Ser257=; no amino-acid change (serine 257 retained).
Molecular consequence: synonymous variant.
Genome position (GRCh38, 1-based): chr12:57,043,977, C>T on the plus strand (G>A on the coding strand, the complement: MYO1A is on the minus strand). VCF-style: chr12-57043977-C-T. GRCh37 (hg19) VCF-style: chr12-57437761-C-T.
Other names: c.771G>A, p.Ser257= (NM_001256041.2).
Identifiers: ClinVar variation 164596 (VCV000164596.5), dbSNP rs201705384, ClinGen allele CA177316.

ClinVar aggregate classification (germline): Likely benign. Review status: criteria provided, multiple submitters, no conflicts (2 of 4 stars). 2 submissions from 2 submitters: Likely benign (2). Last evaluated 2024-10-23.

Allele frequency attached by ClinVar (database versions not stated): gnomAD exomes 0.00002 and 0.00003; ExAC 0.00003; TOPMed 0.00005; gnomAD 0.00006 and 0.00008; 1000 Genomes Project 30x 0.00031; 1000 Genomes Project 0.00040.
gnomAD v4.1: 38 of 1,614,134 alleles (0.0024%); highest among the groups gnomAD compares: Middle Eastern, 0.033%; no homozygotes.

Submissions (2):

Blueprint Genetics
Classification: Likely benign. Last evaluated: 2024-10-23. Review status: criteria provided, single submitter. Criteria: ACMG Guidelines, 2015. Collection method: clinical testing. Allele origin: germline.

Laboratory for Molecular Medicine, Mass General Brigham Personalized Medicine
Classification: Likely benign. Last evaluated: 2014-01-13. Review status: criteria provided, single submitter. Criteria: LMM Criteria. Collection method: clinical testing. Allele origin: germline. Observed: 1 variant allele.
Comment: Ser257Ser in Exon 10 of MYO1A: This variant is not expected to have clinical sig nificance because it does not alter an amino acid residue, is not located within the splice consensus sequence, and has been identified in 1% (2/192) Kenyan chr omosomes by the 1000 Genomes Project (dbSNP rs201705 384).